The following is an entry in ClinVar:

NM_020247.5(COQ8A):c.1720G>A (p.Glu574Lys)

Gene: COQ8A (coenzyme Q8A; plus strand). Cytogenetic location: 1q42.13.
Variant type: single nucleotide variant.
Coding change: c.1720G>A on transcript NM_020247.5 (MANE Select); coding-DNA position 1720, G replaced by A.
Protein change: p.Glu574Lys; replaces glutamic acid 574 with lysine.
Molecular consequence: missense variant.
Genome position (GRCh38, 1-based): chr1:226,986,513, G>A. VCF-style: chr1-226986513-G-A. GRCh37 (hg19) VCF-style: chr1-227174214-G-A.
Other names: short protein forms E574K.
Identifiers: ClinVar variation 1436271 (VCV001436271.5), dbSNP rs202058665, ClinGen allele CA1425644.

ClinVar aggregate classification (germline): Uncertain significance (1 of 4 stars; one submission).

Allele frequency attached by ClinVar (database versions not stated): TOPMed 0.00001; gnomAD exomes 0.00002; ExAC 0.00003.

Submission:

Labcorp Genetics (formerly Invitae), Labcorp
Classification: Uncertain significance. Last evaluated: 2022-08-16. Review status: criteria provided, single submitter. Criteria: Invitae Variant Classification Sherloc (09022015). Collection method: clinical testing. Allele origin: germline.
Comment: In summary, the available evidence is currently insufficient to determine the role of this variant in disease. Therefore, it has been classified as a Variant of Uncertain Significance. Advanced modeling of protein sequence and biophysical properties (such as structural, functional, and spatial information, amino acid conservation, physicochemical variation, residue mobility, and thermodynamic stability) performed at Invitae indicates that this missense variant is not expected to disrupt COQ8A protein function. ClinVar contains an entry for this variant (Variation ID: 1436271). This variant has not been reported in the literature in individuals affected with COQ8A-related conditions. This variant is present in population databases (rs202058665, gnomAD 0.005%). This sequence change replaces glutamic acid, which is acidic and polar, with lysine, which is basic and polar, at codon 574 of the COQ8A protein (p.Glu574Lys).